The following is an entry in ClinVar:

NM_001127392.3(MYRF):c.1067A>G (p.His356Arg)

Gene: MYRF (myelin regulatory factor; plus strand). Cytogenetic location: 11q12.2.
Variant type: single nucleotide variant.
Coding change: c.1067A>G on transcript NM_001127392.3 (MANE Select); coding-DNA position 1067, A replaced by G.
Protein change: p.His356Arg; replaces histidine 356 with arginine.
Molecular consequence: missense variant.
Genome position (GRCh38, 1-based): chr11:61,771,904, A>G. VCF-style: chr11-61771904-A-G. GRCh37 (hg19) VCF-style: chr11-61539376-A-G.
Other names: c.1040A>G, p.His347Arg (NM_013279.4); short protein forms H347R, H356R.
Identifiers: ClinVar variation 2582214 (VCV002582214.1), dbSNP rs2540911104, ClinGen allele CA380850164.

ClinVar aggregate classification (germline): Uncertain significance (1 of 4 stars; one submission).

Submission:

GeneDx
Classification: Uncertain significance. Last evaluated: 2023-04-02. Review status: criteria provided, single submitter. Criteria: GeneDx Variant Classification Process June 2021. Collection method: clinical testing. Allele origin: germline. Affected: yes.
Comment: Not observed at significant frequency in large population cohorts (gnomAD); In silico analysis supports that this missense variant has a deleterious effect on protein structure/function; Has not been previously published as pathogenic or benign to our knowledge